The following is an entry in ClinVar:

NC_000017.11:g.(?_43063327)_(43063379_?)del

Gene: BRCA1 (BRCA1 DNA repair associated; minus strand). Cytogenetic location: 17q21.31.
Variant type: Deletion.
Identifiers: ClinVar variation 462187 (VCV000462187.3).

ClinVar aggregate classification (germline): Pathogenic (1 of 4 stars; one submission).

Conditions:
Hereditary breast ovarian cancer syndrome. Also called: Hereditary breast and ovarian cancer syndrome (HBOC); Hereditary breast and ovarian cancer syndrome; Breast and ovarian cancer; Hereditary breast and/or ovarian cancer syndrome; Hereditary breast and ovarian cancer; BRCA1- and BRCA2-Associated Hereditary Breast and Ovarian Cancer. Identifiers: Orphanet 145, MedGen C0677776, MeSH D061325, MONDO:0003582. Disease mechanism: loss of function.

Submission:

Labcorp Genetics (formerly Invitae), Labcorp
Classification: Pathogenic for Hereditary breast ovarian cancer syndrome. Last evaluated: 2017-02-06. Review status: criteria provided, single submitter. Criteria: Invitae Variant Classification Sherloc (09022015). Collection method: clinical testing. Allele origin: germline.
Comment: Loss-of-function variants including gross deletions in BRCA1 are known to be pathogenic. A deletion of exon 18 has been reported in the literature in an individual with breast and ovarian cancer (PMID: 18546071). Exon 18 is also known as exon 19 in the literature. For this reason, this variant has been classified as Pathogenic. This variant is an out-of-frame gross deletion of the genomic region encompassing exon 18 of the BRCA1 gene. This creates a premature translational stop signal and is expected to result in an absent or disrupted protein product.

Literature cited by the submitters: PubMed 18546071.